The following is an entry in ClinVar:

NM_012478.4(WBP2):c.407G>A (p.Gly136Asp)

Gene: WBP2 (WW domain binding protein 2; minus strand). Cytogenetic location: 17q25.1.
Variant type: single nucleotide variant.
Coding change: c.407G>A on transcript NM_012478.4 (MANE Select); coding-DNA position 407, G replaced by A.
Protein change: p.Gly136Asp; replaces glycine 136 with aspartic acid.
Molecular consequence: missense variant. On other transcripts: intron variant (1).
Genome position (GRCh38, 1-based): chr17:75,847,921, C>T on the plus strand (G>A on the coding strand, the complement: WBP2 is on the minus strand). VCF-style: chr17-75847921-C-T. GRCh37 (hg19) VCF-style: chr17-73844002-C-T.
Other names: c.407G>A, p.Gly136Asp (NM_001348170.1); c.398-312G>A (NM_001330499.2); c.407G>A (NM_012478.3); short protein forms G136D.
Identifiers: ClinVar variation 2984214 (VCV002984214.4), dbSNP rs182989479, ClinGen allele CA8773920.

ClinVar aggregate classification (germline): Uncertain significance. Review status: criteria provided, multiple submitters, no conflicts (2 of 4 stars). 2 submissions from 2 submitters: Uncertain significance (2). Last evaluated 2025-09-24.

Allele frequency attached by ClinVar (database versions not stated): gnomAD exomes 0.00001; gnomAD 0.00003; 1000 Genomes Project 0.00020; ExAC 0.00022; 1000 Genomes Project 30x 0.00031.

Submissions (2):

Ambry Genetics
Classification: Uncertain significance. Last evaluated: 2025-09-24. Review status: criteria provided, single submitter. Criteria: Ambry Variant Classification Scheme 2023. Collection method: clinical testing. Allele origin: germline.

Labcorp Genetics (formerly Invitae), Labcorp
Classification: Uncertain significance. Last evaluated: 2024-01-04. Review status: criteria provided, single submitter. Criteria: Invitae Variant Classification Sherloc (09022015). Collection method: clinical testing. Allele origin: germline.
Comment: This sequence change replaces glycine, which is neutral and non-polar, with aspartic acid, which is acidic and polar, at codon 136 of the WBP2 protein (p.Gly136Asp). This variant is present in population databases (rs182989479, gnomAD 0.03%). This variant has not been reported in the literature in individuals affected with WBP2-related conditions. Advanced modeling of protein sequence and biophysical properties (such as structural, functional, and spatial information, amino acid conservation, physicochemical variation, residue mobility, and thermodynamic stability) performed at Invitae indicates that this missense variant is expected to disrupt WBP2 protein function with a positive predictive value of 80%. In summary, the available evidence is currently insufficient to determine the role of this variant in disease. Therefore, it has been classified as a Variant of Uncertain Significance.